The following is an entry in ClinVar:

ClinVar aggregate classification (germline): Uncertain significance. Review status: criteria provided, multiple submitters, no conflicts (2 of 4 stars). 5 submissions from 5 submitters: Uncertain significance (5). Last evaluated 2023-12-16.

Conditions:
Inborn genetic diseases. Identifiers: MedGen C0950123, MeSH D030342.
Autosomal recessive inherited pseudoxanthoma elasticum (PXE). Identifiers: Orphanet 758, MedGen CN032334, MONDO:0009925, OMIM 264800.
Pseudoxanthoma elasticum, forme fruste. Also called: PSEUDOXANTHOMA ELASTICUM, HETEROZYGOUS; Pseudoxanthoma Elasticum, Incomplete. Identifiers: Orphanet 758, MedGen C1867450, MONDO:0008333, OMIM 177850.
Arterial calcification, generalized, of infancy, 2. Identifiers: Orphanet 51608, MedGen C3276161, MONDO:0013768, OMIM 614473.

Allele frequency attached by ClinVar (database versions not stated): gnomAD exomes below 0.00001 and 0.00002; ExAC 0.00002; gnomAD 0.00007; ESP Exome Variant Server 0.00008; TOPMed 0.00009.
gnomAD v4.1: 17 of 1,614,002 alleles (0.0011%); highest among the groups gnomAD compares: African/African-American, 0.02%; no homozygotes.

Submissions (5):

Ambry Genetics
Classification: Uncertain significance for Inborn genetic diseases. Last evaluated: 2023-12-16. Review status: criteria provided, single submitter. Criteria: Ambry Variant Classification Scheme 2023. Collection method: clinical testing. Allele origin: germline.

CeGaT Center for Human Genetics Tuebingen
Classification: Uncertain significance. Last evaluated: 2022-12-01. Review status: criteria provided, single submitter. Criteria: CeGaT Center For Human Genetics Tuebingen Variant Classification Criteria Version 2. Collection method: clinical testing. Allele origin: germline. Affected: yes. Observed: 1 variant allele.

Labcorp Genetics (formerly Invitae), Labcorp
Classification: Uncertain significance. Last evaluated: 2022-08-09. Review status: criteria provided, single submitter. Criteria: Invitae Variant Classification Sherloc (09022015). Collection method: clinical testing. Allele origin: germline.
Comment: This sequence change replaces valine, which is neutral and non-polar, with methionine, which is neutral and non-polar, at codon 707 of the ABCC6 protein (p.Val707Met). This variant is present in population databases (rs372121585, gnomAD 0.02%). This variant has not been reported in the literature in individuals affected with ABCC6-related conditions. ClinVar contains an entry for this variant (Variation ID: 1406920). Advanced modeling of protein sequence and biophysical properties (such as structural, functional, and spatial information, amino acid conservation, physicochemical variation, residue mobility, and thermodynamic stability) performed at Invitae indicates that this missense variant is not expected to disrupt ABCC6 protein function. In summary, the available evidence is currently insufficient to determine the role of this variant in disease. Therefore, it has been classified as a Variant of Uncertain Significance.

Fulgent Genetics
Classification: Uncertain significance for Pseudoxanthoma elasticum, forme fruste; Autosomal recessive inherited pseudoxanthoma elasticum; Arterial calcification, generalized, of infancy, 2. Last evaluated: 2021-12-30. Review status: criteria provided, single submitter. Criteria: ACMG Guidelines, 2015. Collection method: clinical testing. Allele origin: unknown.

Blueprint Genetics
Classification: Uncertain significance. Last evaluated: 2019-12-05. Review status: criteria provided, single submitter. Criteria: ACMG Guidelines, 2015. Collection method: clinical testing. Allele origin: germline.

NM_001171.6(ABCC6):c.2119G>A (p.Val707Met)

Gene: ABCC6 (ATP binding cassette subfamily C member 6; minus strand). Cytogenetic location: 16p13.11.
Variant type: single nucleotide variant.
Coding change: c.2119G>A on transcript NM_001171.6 (MANE Select); coding-DNA position 2119, G replaced by A.
Protein change: p.Val707Met; replaces valine 707 with methionine.
Molecular consequence: missense variant. On other transcripts: non-coding transcript variant (1).
Genome position (GRCh38, 1-based): chr16:16,182,540, C>T on the plus strand (G>A on the coding strand, the complement: ABCC6 is on the minus strand). VCF-style: chr16-16182540-C-T. GRCh37 (hg19) VCF-style: chr16-16276397-C-T.
Other names: c.1777G>A, p.Val593Met (NM_001351800.1); c.2119G>A (NM_001171.5); short protein forms V707M, V593M.
Identifiers: ClinVar variation 1406920 (VCV001406920.34), dbSNP rs372121585, ClinGen allele CA7926009.